The following is an entry in ClinVar:

NM_002095.6(GTF2E2):c.806G>A (p.Arg269His)

Gene: GTF2E2 (general transcription factor IIE subunit 2; minus strand). Cytogenetic location: 8p12.
Variant type: single nucleotide variant.
Coding change: c.806G>A on transcript NM_002095.6 (MANE Select); coding-DNA position 806, G replaced by A.
Protein change: p.Arg269His; replaces arginine 269 with histidine.
Molecular consequence: missense variant.
Genome position (GRCh38, 1-based): chr8:30,578,991, C>T on the plus strand (G>A on the coding strand, the complement: GTF2E2 is on the minus strand). VCF-style: chr8-30578991-C-T. GRCh37 (hg19) VCF-style: chr8-30436508-C-T.
Other names: short protein forms R269H.
Identifiers: ClinVar variation 1911026 (VCV001911026.5), dbSNP rs150253885, ClinGen allele CA4700853.

ClinVar aggregate classification (germline): Uncertain significance (1 of 4 stars; one submission).

Allele frequency attached by ClinVar (database versions not stated): gnomAD 0.00001; TOPMed 0.00001; gnomAD exomes 0.00003; ExAC 0.00004; ESP Exome Variant Server 0.00008.
gnomAD v4.1: 47 of 1,611,162 alleles (0.0029%); highest among the groups gnomAD compares: Middle Eastern, 0.016%; no homozygotes.

Submission:

Labcorp Genetics (formerly Invitae), Labcorp
Classification: Uncertain significance. Last evaluated: 2022-04-19. Review status: criteria provided, single submitter. Criteria: Invitae Variant Classification Sherloc (09022015). Collection method: clinical testing. Allele origin: germline.
Comment: In summary, the available evidence is currently insufficient to determine the role of this variant in disease. Therefore, it has been classified as a Variant of Uncertain Significance. Algorithms developed to predict the effect of missense changes on protein structure and function (SIFT, PolyPhen-2, Align-GVGD) all suggest that this variant is likely to be tolerated. This variant has not been reported in the literature in individuals affected with GTF2E2-related conditions. This variant is present in population databases (rs150253885, gnomAD 0.04%). This sequence change replaces arginine, which is basic and polar, with histidine, which is basic and polar, at codon 269 of the GTF2E2 protein (p.Arg269His).